The following is an entry in ClinVar:

NM_000038.6(APC):c.7551T>C (p.Tyr2517=)

Gene: APC (APC regulator of Wnt signaling pathway; plus strand). Cytogenetic location: 5q22.2.
Variant type: single nucleotide variant.
Coding change: c.7551T>C on transcript NM_000038.6 (MANE Select); coding-DNA position 7551, T replaced by C.
Protein change: p.Tyr2517=; no amino-acid change (tyrosine 2517 retained).
Molecular consequence: synonymous variant.
Genome position (GRCh38, 1-based): chr5:112,843,145, T>C. VCF-style: chr5-112843145-T-C. GRCh37 (hg19) VCF-style: chr5-112178842-T-C.
Other names: c.7551T>C, p.Tyr2517= (NM_001127510.3, NM_001354895.2); c.7497T>C, p.Tyr2499= (NM_001127511.3); c.7605T>C, p.Tyr2535= (NM_001354896.2); c.7581T>C, p.Tyr2527= (NM_001354897.2); c.7476T>C, p.Tyr2492= (NM_001354898.2); c.7467T>C, p.Tyr2489= (NM_001354899.2); c.7428T>C, p.Tyr2476= (NM_001354900.2); c.7374T>C, p.Tyr2458= (NM_001354901.2); and 5 more.
Identifiers: ClinVar variation 1566100 (VCV001566100.11), dbSNP rs2149989447, ClinGen allele CA446210891.

ClinVar aggregate classification (germline): Likely benign. Review status: criteria provided, multiple submitters, no conflicts (2 of 4 stars). 3 submissions from 3 submitters: Likely benign (3). Last evaluated 2023-12-13.

Conditions:
Hereditary cancer-predisposing syndrome. Also called: Tumor predisposition; Hereditary Cancer Syndrome; Hereditary neoplastic syndrome; Neoplastic Syndromes, Hereditary. Identifiers: Orphanet 140162, MedGen C0027672, MeSH D009386, MONDO:0015356.
Classic or attenuated familial adenomatous polyposis. Identifiers: MedGen CN372698, MONDO:0021057.
Familial adenomatous polyposis 1 (FAP1). Also called: POLYPOSIS, ADENOMATOUS INTESTINAL; FAMILIAL ADENOMATOUS POLYPOSIS 1, ATTENUATED. Identifiers: MedGen C2713442, MONDO:0021056, OMIM 175100. Disease mechanism: loss of function.

gnomAD v4.1: 3 of 1,613,946 alleles (0.00019%); highest among the groups gnomAD compares: Non-Finnish European, 0.00025%; no homozygotes.

Submissions (3):

All of Us Research Program, National Institutes of Health
Classification: Likely benign for Classic or attenuated familial adenomatous polyposis. Last evaluated: 2023-12-13. Review status: criteria provided, single submitter. Criteria: ACMG Guidelines, 2015. Collection method: clinical testing. Allele origin: germline. Inheritance: Autosomal dominant inheritance. Observed: 1 variant allele, 1 heterozygote.
Comment: This study involves interpretation of variants in research participants for the purpose of population health screening. Participant phenotype was not available at the time of variant classification. Additional details can be found in publication PMID: 35346344, PMCID: PMC8962531

Labcorp Genetics (formerly Invitae), Labcorp
Classification: Likely benign for Familial adenomatous polyposis 1. Last evaluated: 2022-07-29. Review status: criteria provided, single submitter. Criteria: Invitae Variant Classification Sherloc (09022015). Collection method: clinical testing. Allele origin: germline.

Ambry Genetics
Classification: Likely benign for Hereditary cancer-predisposing syndrome. Last evaluated: 2021-02-26. Review status: criteria provided, single submitter. Criteria: Ambry Variant Classification Scheme 2023. Collection method: clinical testing. Allele origin: germline.